The following is an entry in ClinVar:

ClinVar aggregate classification (germline): Benign. Review status: criteria provided, multiple submitters, no conflicts (2 of 4 stars). 3 submissions from 3 submitters: Benign (3). Last evaluated 2026-02-03.

Allele frequency attached by ClinVar (database versions not stated): 1000 Genomes Project 30x 0.01327; 1000 Genomes Project 0.01378; ExAC 0.02315; TOPMed 0.02481; gnomAD 0.02553 and 0.02580; gnomAD exomes 0.02670 and 0.03324; ESP Exome Variant Server 0.02672.
gnomAD v4.1: 49,674 of 1,530,642 alleles (3.2%); highest among the groups gnomAD compares: Middle Eastern, 5.5%; 908 homozygotes.

Submissions (3):

Labcorp Genetics (formerly Invitae), Labcorp
Classification: Benign. Last evaluated: 2026-02-03. Review status: criteria provided, single submitter. Criteria: Invitae Variant Classification Sherloc (09022015). Collection method: clinical testing. Allele origin: germline.

Laboratory for Molecular Medicine, Mass General Brigham Personalized Medicine
Classification: Benign. Last evaluated: 2016-03-28. Review status: criteria provided, single submitter. Criteria: LMM Criteria. Collection method: clinical testing. Allele origin: germline.
Comment: Variant identified in a genome or exome case(s) and assessed due to predicted null impact of the variant or pathogenic assertions in the literature or databases. Disclaimer: This variant has not undergone full assessment. The following are preliminary notes: Frequency

Breakthrough Genomics
Classification: Benign. Review status: criteria provided, single submitter. Criteria: ACMG Guidelines, 2015. Collection method: not provided. Allele origin: germline. Inheritance: Unknown mechanism. Affected: yes.

NM_012418.4(FSCN2):c.967G>A (p.Ala323Thr)

Gene: FSCN2 (fascin actin-bundling protein 2, retinal; plus strand). Cytogenetic location: 17q25.3.
Variant type: single nucleotide variant.
Coding change: c.967G>A on transcript NM_012418.4 (MANE Select); coding-DNA position 967, G replaced by A.
Protein change: p.Ala323Thr; replaces alanine 323 with threonine.
Molecular consequence: missense variant.
Genome position (GRCh38, 1-based): chr17:81,535,192, G>A. VCF-style: chr17-81535192-G-A. GRCh37 (hg19) VCF-style: chr17-79502218-G-A.
Other names: c.967G>A, p.Ala323Thr (NM_001077182.3); short protein forms A323T.
Identifiers: ClinVar variation 402883 (VCV000402883.14), dbSNP rs186367879, ClinGen allele CA8836902.
Genomic context (GRCh38, chr17:81,535,192, plus strand): 5'-TGCACCTTCTATTCCAGCACTGGGGGCTACTGGACCCTGGTCACCCATGGGGGCATTCAC[G>A]CCACAGCCACACAAGTGTGAGTGCACACATCCCTTCCTCCTCCATCATCCCCATCCCCAC-3'
Protein context (NP_036550.1, residues 313-333): WTLVTHGGIH[Ala323Thr]TATQVSANTM